The following is an entry in ClinVar:

NM_138386.3(NAF1):c.257C>T (p.Pro86Leu)

Gene: NAF1 (nuclear assembly factor 1 ribonucleoprotein; minus strand). Cytogenetic location: 4q32.2.
Variant type: single nucleotide variant.
Coding change: c.257C>T on transcript NM_138386.3 (MANE Select); coding-DNA position 257, C replaced by T.
Protein change: p.Pro86Leu; replaces proline 86 with leucine.
Molecular consequence: missense variant.
Genome position (GRCh38, 1-based): chr4:163,166,471, G>A on the plus strand (C>T on the coding strand, the complement: NAF1 is on the minus strand). VCF-style: chr4-163166471-G-A. GRCh37 (hg19) VCF-style: chr4-164087623-G-A.
Other names: c.257C>T, p.Pro86Leu (NM_001128931.2); short protein forms P86L.
Identifiers: ClinVar variation 2402367 (VCV002402367.3), dbSNP rs1296550785, ClinGen allele CA358661646.

ClinVar aggregate classification (germline): Uncertain significance. Review status: criteria provided, multiple submitters, no conflicts (2 of 4 stars). 2 submissions from 2 submitters: Uncertain significance (2). Last evaluated 2025-09-22.

Allele frequency attached by ClinVar (database versions not stated): gnomAD exomes 0.00001.
gnomAD v4.1: 13 of 1,603,406 alleles (0.00081%); highest among the groups gnomAD compares: African/African-American, 0.004%; no homozygotes.

Submissions (2):

Labcorp Genetics (formerly Invitae), Labcorp
Classification: Uncertain significance. Last evaluated: 2025-09-22. Review status: criteria provided, single submitter. Criteria: Invitae Variant Classification Sherloc (09022015). Collection method: clinical testing. Allele origin: germline.
Comment: This sequence change replaces proline, which is neutral and non-polar, with leucine, which is neutral and non-polar, at codon 86 of the NAF1 protein (p.Pro86Leu). The frequency data for this variant in the population databases is considered unreliable, as metrics indicate poor data quality at this position in the gnomAD database. This variant has not been reported in the literature in individuals affected with NAF1-related conditions. ClinVar contains an entry for this variant (Variation ID: 2402367). An algorithm developed to predict the effect of missense changes on protein structure and function (PolyPhen-2) suggests that this variant is likely to be tolerated. In summary, the available evidence is currently insufficient to determine the role of this variant in disease. Therefore, it has been classified as a Variant of Uncertain Significance.

Ambry Genetics
Classification: Uncertain significance. Last evaluated: 2022-10-25. Review status: criteria provided, single submitter. Criteria: Ambry Variant Classification Scheme 2023. Collection method: clinical testing. Allele origin: germline.